The following is an entry in ClinVar:

NM_016169.4(SUFU):c.1291T>G (p.Leu431Val)

Gene: SUFU (SUFU negative regulator of hedgehog signaling; plus strand). Cytogenetic location: 10q24.32.
Variant type: single nucleotide variant.
Coding change: c.1291T>G on transcript NM_016169.4 (MANE Select); coding-DNA position 1291, T replaced by G.
Protein change: p.Leu431Val; replaces leucine 431 with valine.
Molecular consequence: missense variant.
Genome position (GRCh38, 1-based): chr10:102,617,423, T>G. VCF-style: chr10-102617423-T-G. GRCh37 (hg19) VCF-style: chr10-104377180-T-G.
Other names: c.1291T>G, p.Leu431Val (NM_001178133.2); short protein forms L431V.
Identifiers: ClinVar variation 1003048 (VCV001003048.9), dbSNP rs141950577, ClinGen allele CA377916707.

ClinVar aggregate classification (germline): Uncertain significance (1 of 4 stars; one submission).

Conditions:
Gorlin syndrome. Also called: Nevoid Basal Cell Carcinoma Syndrome; Basal cell nevus syndrome. Identifiers: Orphanet 377, MedGen C0004779, MONDO:0007187.
Medulloblastoma (MDB). Also called: MEDULLOBLASTOMA PREDISPOSITION SYNDROME; Medulloblastoma, somatic. Identifiers: Orphanet 616, MedGen C0025149, MeSH D008527, MONDO:0007959, OMIM 155255, HP:0002885.

Submission:

Labcorp Genetics (formerly Invitae), Labcorp
Classification: Uncertain significance for Gorlin syndrome; Medulloblastoma. Last evaluated: 2022-06-21. Review status: criteria provided, single submitter. Criteria: Invitae Variant Classification Sherloc (09022015). Collection method: clinical testing. Allele origin: germline.
Comment: In summary, the available evidence is currently insufficient to determine the role of this variant in disease. Therefore, it has been classified as a Variant of Uncertain Significance. Algorithms developed to predict the effect of sequence changes on RNA splicing suggest that this variant may disrupt the consensus splice site. Algorithms developed to predict the effect of missense changes on protein structure and function are either unavailable or do not agree on the potential impact of this missense change (SIFT: "Tolerated"; PolyPhen-2: "Probably Damaging"; Align-GVGD: "Class C15"). ClinVar contains an entry for this variant (Variation ID: 1003048). This variant has not been reported in the literature in individuals affected with SUFU-related conditions. This variant is not present in population databases (gnomAD no frequency). This sequence change replaces leucine, which is neutral and non-polar, with valine, which is neutral and non-polar, at codon 431 of the SUFU protein (p.Leu431Val).